The following is an entry in ClinVar:

ClinVar aggregate classification (germline): Likely benign. Review status: criteria provided, multiple submitters, no conflicts (2 of 4 stars). 4 submissions from 4 submitters: Likely benign (4). Last evaluated 2026-01-26.

Conditions:
Cardiovascular phenotype. Identifiers: MedGen CN230736.
Cardiomyopathy (CMYO). Also called: Cardiomyopathies. Identifiers: Orphanet 167848, MedGen C0878544, MONDO:0004994, HP:0001638. Inheritance: Various modes of inheritance.
Hypertrophic cardiomyopathy. Also called: HYPERTROPHIC MYOCARDIOPATHY. Identifiers: Orphanet 217569, MedGen C0007194, MeSH D002312, MONDO:0005045, HP:0001639.

Allele frequency attached by ClinVar (database versions not stated): ExAC 0.00001; gnomAD 0.00001; TOPMed 0.00002; gnomAD exomes 0.00001 and 0.00002.
gnomAD v4.1: 15 of 1,600,612 alleles (0.00094%); highest among the groups gnomAD compares: African/African-American, 0.0053%; no homozygotes.

Submissions (4):

Labcorp Genetics (formerly Invitae), Labcorp
Classification: Likely benign for Hypertrophic cardiomyopathy. Last evaluated: 2026-01-26. Review status: criteria provided, single submitter. Criteria: Invitae Variant Classification Sherloc (09022015). Collection method: clinical testing. Allele origin: germline.

CHEO Genetics Diagnostic Laboratory, Children's Hospital of Eastern Ontario
Classification: Likely benign for Cardiomyopathy. Last evaluated: 2021-11-02. Review status: criteria provided, single submitter. Criteria: ACMG Guidelines, 2015. Collection method: clinical testing. Allele origin: germline.

Ambry Genetics
Classification: Likely benign for Cardiovascular phenotype. Last evaluated: 2021-03-23. Review status: criteria provided, single submitter. Criteria: Ambry Variant Classification Scheme 2023. Collection method: clinical testing. Allele origin: germline.

Laboratory for Molecular Medicine, Mass General Brigham Personalized Medicine
Classification: Likely benign. Last evaluated: 2010-12-28. Review status: criteria provided, single submitter. Criteria: LMM Criteria. Collection method: clinical testing. Allele origin: germline. Observed: 2 variant alleles.
Comment: This variant is not expected to have clinical significance because it does not a lter an amino acid residue and is not located near a splice junction.

NM_000256.3(MYBPC3):c.3171G>A (p.Thr1057=)

Gene: MYBPC3 (myosin binding protein C3; minus strand). Cytogenetic location: 11p11.2.
Variant type: single nucleotide variant.
Coding change: c.3171G>A on transcript NM_000256.3 (MANE Select); coding-DNA position 3171, G replaced by A.
Protein change: p.Thr1057=; no amino-acid change (threonine 1057 retained).
Molecular consequence: synonymous variant.
Genome position (GRCh38, 1-based): chr11:47,333,576, C>T on the plus strand (G>A on the coding strand, the complement: MYBPC3 is on the minus strand). VCF-style: chr11-47333576-C-T. GRCh37 (hg19) VCF-style: chr11-47355127-C-T.
Identifiers: ClinVar variation 42689 (VCV000042689.17), dbSNP rs397516004, ClinGen allele CA013587.